The following is an entry in ClinVar:

ClinVar aggregate classification (germline): Conflicting classifications of pathogenicity. Review status: criteria provided, conflicting classifications (1 of 4 stars). 8 submissions from 8 submitters: Uncertain significance (1); Benign (1); Likely benign (6). Last evaluated 2026-01-01.

Conditions:
Cardiovascular phenotype. Identifiers: MedGen CN230736.
Cardiac arrhythmia. Also called: Arrhythmia; Cardiac rhythm disease. Identifiers: MedGen C0003811, MONDO:0007263, HP:0011675.
Long QT syndrome (LQTS). Identifiers: MedGen C0023976, MeSH D008133, MONDO:0002442. Disease mechanism: loss of function. Inheritance: Various modes of inheritance.
Long QT syndrome 2 (LQT2). Identifiers: Orphanet 101016, Orphanet 768, MedGen C3150943, MONDO:0013367, OMIM 613688.

Allele frequency attached by ClinVar (database versions not stated): gnomAD 0.00006 and 0.00009; TOPMed 0.00008; 1000 Genomes Project 30x 0.00016; gnomAD exomes 0.00016; ExAC 0.00019; 1000 Genomes Project 0.00020.
gnomAD v4.1: 120 of 1,614,120 alleles (0.0074%); highest among the groups gnomAD compares: South Asian, 0.074%; 1 homozygote.

Submissions (8):

CeGaT Center for Human Genetics Tuebingen
Classification: Likely benign. Last evaluated: 2026-01-01. Review status: criteria provided, single submitter. Criteria: CeGaT Center For Human Genetics Tuebingen Variant Classification Criteria Version 2. Collection method: clinical testing. Allele origin: germline. Affected: yes. Observed: 2 variant alleles.
Comment: KCNH2: BP4, BP7

Labcorp Genetics (formerly Invitae), Labcorp
Classification: Likely benign for Long QT syndrome. Last evaluated: 2025-12-19. Review status: criteria provided, single submitter. Criteria: Invitae Variant Classification Sherloc (09022015). Collection method: clinical testing. Allele origin: germline.

Blueprint Genetics
Classification: Likely benign. Last evaluated: 2024-09-23. Review status: criteria provided, single submitter. Criteria: ACMG Guidelines, 2015. Collection method: clinical testing. Allele origin: germline.

All of Us Research Program, National Institutes of Health
Classification: Likely benign for Long QT syndrome. Last evaluated: 2023-11-30. Review status: criteria provided, single submitter. Criteria: ACMG Guidelines, 2015. Collection method: clinical testing. Allele origin: germline. Inheritance: Autosomal dominant inheritance. Observed: 14 variant alleles, 14 heterozygotes.
Comment: This study involves interpretation of variants in research participants for the purpose of population health screening. Participant phenotype was not available at the time of variant classification. Additional details can be found in publication PMID: 35346344, PMCID: PMC8962531

Ambry Genetics
Classification: Likely benign for Cardiovascular phenotype. Last evaluated: 2022-01-06. Review status: criteria provided, single submitter. Criteria: Ambry Variant Classification Scheme 2023. Collection method: clinical testing. Allele origin: germline.

Color Diagnostics, LLC DBA Color Health
Classification: Likely benign for Arrhythmia. Last evaluated: 2018-10-18. Review status: criteria provided, single submitter. Criteria: ACMG Guidelines, 2015. Collection method: clinical testing. Allele origin: germline.

Illumina Laboratory Services, Illumina
Classification: Uncertain significance for Long QT syndrome 2. Last evaluated: 2018-01-12. Review status: criteria provided, single submitter. Criteria: ICSL Variant Classification Criteria 13 December 2019. Collection method: clinical testing. Allele origin: germline.

GeneDx
Classification: Benign. Last evaluated: 2014-03-24. Review status: criteria provided, single submitter. Criteria: GeneDx Variant Classification (06012015). Collection method: clinical testing. Allele origin: germline. Affected: yes.
Comment: This variant is considered likely benign or benign based on one or more of the following criteria: it is a conservative change, it occurs at a poorly conserved position in the protein, it is predicted to be benign by multiple in silico algorithms, and/or has population frequency not consistent with disease.

NM_000238.4(KCNH2):c.342C>T (p.Pro114=)

Gene: KCNH2 (potassium voltage-gated channel subfamily H member 2; minus strand). Cytogenetic location: 7q36.1.
Variant type: single nucleotide variant.
Coding change: c.342C>T on transcript NM_000238.4 (MANE Select); coding-DNA position 342, C replaced by T.
Protein change: p.Pro114=; no amino-acid change (proline 114 retained).
Molecular consequence: synonymous variant. On other transcripts: non-coding transcript variant (1).
Genome position (GRCh38, 1-based): chr7:150,959,702, G>A on the plus strand (C>T on the coding strand, the complement: KCNH2 is on the minus strand). VCF-style: chr7-150959702-G-A. GRCh37 (hg19) VCF-style: chr7-150656790-G-A.
Other names: p.P114P:CCC>CCT; c.54C>T, p.Pro18= (NM_001406753.1, NM_001406756.1); c.165C>T, p.Pro55= (NM_001406755.1); c.42C>T, p.Pro14= (NM_001406757.1); c.342C>T, p.Pro114= (NM_172056.3).
Identifiers: ClinVar variation 200209 (VCV000200209.56), dbSNP rs532959204, ClinGen allele CA008300.